The following is an entry in ClinVar:

NM_020975.6(RET):c.2407A>C (p.Ile803Leu)

Gene: RET (ret proto-oncogene; plus strand). Cytogenetic location: 10q11.21.
Variant type: single nucleotide variant.
Coding change: c.2407A>C on transcript NM_020975.6 (MANE Select); coding-DNA position 2407, A replaced by C.
Protein change: p.Ile803Leu; replaces isoleucine 803 with leucine.
Molecular consequence: missense variant.
Genome position (GRCh38, 1-based): chr10:43,119,545, A>C. VCF-style: chr10-43119545-A-C. GRCh37 (hg19) VCF-style: chr10-43614993-A-C.
Other names: c.2407A>C, p.Ile803Leu (NM_001406743.1, NM_001406744.1, NM_001406759.1 and 2 more transcripts); c.2278A>C, p.Ile760Leu (NM_001406761.1, NM_001406762.1, NM_001406764.1); c.2272A>C, p.Ile758Leu (NM_001406763.1, NM_001406765.1); c.1681A>C, p.Ile561Leu (NM_001406776.1, NM_001406777.1, NM_001406778.1 and 1 more transcripts); c.1510A>C, p.Ile504Leu (NM_001406779.1, NM_001406780.1, NM_001406781.1 and 1 more transcripts); c.1381A>C, p.Ile461Leu (NM_001406783.1, NM_001406786.1); c.1417A>C, p.Ile473Leu (NM_001406784.1); c.1645A>C, p.Ile549Leu (NM_001355216.2); and 10 more; short protein forms I368L, I461L, I549L, I657L, I760L, I459L, I707L, I715L.
Identifiers: ClinVar variation 4152787 (VCV004152787.1).
Genomic context (GRCh38, chr10:43,119,545, plus strand): 5'-AAGCTGCCTGACCCGCACGCCCAGGGCCCCCTCTCTCCGCCCCCAGGCCCGCTCCTCCTC[A>C]TCGTGGAGTACGCCAAATACGGCTCCCTGCGGGGCTTCCTCCGCGAGAGCCGCAAAGTGG-3'
Protein context (NP_066124.1, residues 793-813): ACSQDGPLLL[Ile803Leu]VEYAKYGSLR

ClinVar aggregate classification (germline): Uncertain significance (1 of 4 stars; one submission).

Conditions:
Hereditary cancer-predisposing syndrome. Also called: Neoplastic Syndromes, Hereditary; Tumor predisposition; Hereditary Cancer Syndrome; Hereditary neoplastic syndrome. Identifiers: Orphanet 140162, MedGen C0027672, MeSH D009386, MONDO:0015356.

Submission:

Ambry Genetics
Classification: Uncertain significance for Hereditary cancer-predisposing syndrome. Last evaluated: 2025-06-24. Review status: criteria provided, single submitter. Criteria: Ambry Variant Classification Scheme 2023. Collection method: clinical testing. Allele origin: germline.
Comment: The p.I803L variant (also known as c.2407A>C), located in coding exon 14 of the RET gene, results from an A to C substitution at nucleotide position 2407. The isoleucine at codon 803 is replaced by leucine, an amino acid with highly similar properties. This amino acid position is highly conserved in available vertebrate species. In addition, the in silico prediction for this alteration is inconclusive. Based on the available evidence, the clinical significance of this variant remains unclear.